The following is an entry in ClinVar:

ClinVar aggregate classification (germline): Benign. Review status: criteria provided, multiple submitters, no conflicts (2 of 4 stars). 3 submissions from 3 submitters: Benign (2). 1 of the submissions does not count toward it. Last evaluated 2021-06-09.

Conditions:
Obesity. Also called: Obesity disorder. Identifiers: Orphanet 71529, MedGen C0028754, MeSH D009765, MONDO:0011122, HP:0001513.

Allele frequency attached by ClinVar (database versions not stated): 1000 Genomes Project 30x 0.06402; gnomAD exomes 0.10360 and 0.07038; gnomAD 0.06619 and 0.06684; ExAC 0.09061; 1000 Genomes Project 0.06130; TOPMed 0.07262.
gnomAD v4.1: 112,311 of 1,612,592 alleles (7%); highest among the groups gnomAD compares: Admixed American, 32%; 6,949 homozygotes.

Submissions (3):

GeneDx
Classification: Benign. Last evaluated: 2021-06-09. Review status: criteria provided, single submitter. Criteria: GeneDx Variant Classification Process June 2021. Collection method: clinical testing. Allele origin: germline. Affected: yes.
Comment: This variant is associated with the following publications: (PMID: 23251435, 12050239, 25540946, 23084284)

Breakthrough Genomics
Classification: Benign. Review status: criteria provided, single submitter. Criteria: ACMG Guidelines, 2015. Collection method: not provided. Allele origin: germline. Inheritance: Autosomal recessive inheritance. Affected: yes.

OMIM
Classification: risk factor for OBESITY, SUSCEPTIBILITY TO. Last evaluated: 2002-06-01. Review status: no assertion criteria provided. Collection method: literature only. Allele origin: germline. Not counted in ClinVar's aggregate classification.

Literature cited by the submitters: PubMed 12050239 (cited by OMIM).

NM_016362.5(GHRL):c.269A>T (p.Gln90Leu)

Genes: GHRL (ghrelin and obestatin prepropeptide; minus strand), GHRLOS (ghrelin opposite strand/antisense RNA; plus strand). Cytogenetic location: 3p25.3.
Variant type: single nucleotide variant.
Coding change: c.269A>T on transcript NM_016362.5 (MANE Select); coding-DNA position 269, A replaced by T.
Protein change: p.Gln90Leu; replaces glutamine 90 with leucine.
Molecular consequence: missense variant.
Genome position (GRCh38, 1-based): chr3:10,286,769, T>A on the plus strand (A>T on the coding strand, the complement: GHRL is on the minus strand). VCF-style: chr3-10286769-T-A. GRCh37 (hg19) VCF-style: chr3-10328453-T-A.
Other names: c.266A>T, p.Gln89Leu (NM_001134941.3, NM_001302823.2); c.233A>T, p.Gln78Leu (NM_001134944.2); c.230A>T, p.Gln77Leu (NM_001134945.2); c.116A>T, p.Gln39Leu (NM_001134946.2); c.269A>T, p.Gln90Leu (NM_001302821.2, NM_001302822.2, NM_001302824.2 and 1 more transcripts); short protein forms Q90L, Q78L, Q39L, Q89L, Q77L.
Identifiers: ClinVar variation 5063 (VCV000005063.5), dbSNP rs4684677, ClinGen allele CA210809.
Genomic context (GRCh38, chr3:10,286,769, plus strand): 5'-GCCTCTTCCCAGAGGATGTCCTGAAGAAACTTCCCCAGGGCCTGGCTGTGCTGCTGGTAC[T>A]GAACCCCTGACAGCTTGATTCCAACATCAAAGGGGGCGTTGAACTAGGAGGCAGGGCAGG-3'
Protein context (NP_057446.1, residues 80-100): FDVGIKLSGV[Gln90Leu]YQQHSQALGK